The following is an entry in ClinVar:

NM_032447.5(FBN3):c.4102G>A (p.Glu1368Lys)

Gene: FBN3 (fibrillin 3; minus strand). Cytogenetic location: 19p13.2.
Variant type: single nucleotide variant.
Coding change: c.4102G>A on transcript NM_032447.5 (MANE Select); coding-DNA position 4102, G replaced by A.
Protein change: p.Glu1368Lys; replaces glutamic acid 1368 with lysine.
Molecular consequence: missense variant.
Genome position (GRCh38, 1-based): chr19:8,111,166, C>T on the plus strand (G>A on the coding strand, the complement: FBN3 is on the minus strand). VCF-style: chr19-8111166-C-T. GRCh37 (hg19) VCF-style: chr19-8176050-C-T.
Other names: c.4102G>A (NM_032447.3); c.4102G>A, p.Glu1368Lys (NM_001321431.2); short protein forms E1368K.
Identifiers: ClinVar variation 3673431 (VCV003673431.3).

ClinVar aggregate classification (germline): Uncertain significance. Review status: criteria provided, multiple submitters, no conflicts (2 of 4 stars). 2 submissions from 2 submitters: Uncertain significance (2). Last evaluated 2025-06-25.

gnomAD v4.1: 171 of 1,606,082 alleles (0.011%); highest among the groups gnomAD compares: African/African-American, 0.02%; no homozygotes.

Submissions (2):

Ambry Genetics
Classification: Uncertain significance. Last evaluated: 2025-06-25. Review status: criteria provided, single submitter. Criteria: Ambry Variant Classification Scheme 2023. Collection method: clinical testing. Allele origin: germline.

Labcorp Genetics (formerly Invitae), Labcorp
Classification: Uncertain significance. Last evaluated: 2024-03-15. Review status: criteria provided, single submitter. Criteria: Invitae Variant Classification Sherloc (09022015). Collection method: clinical testing. Allele origin: germline.
Comment: This sequence change replaces glutamic acid, which is acidic and polar, with lysine, which is basic and polar, at codon 1368 of the FBN3 protein (p.Glu1368Lys). This variant is present in population databases (rs150421324, gnomAD 0.03%). This variant has not been reported in the literature in individuals affected with FBN3-related conditions. Advanced modeling of protein sequence and biophysical properties (such as structural, functional, and spatial information, amino acid conservation, physicochemical variation, residue mobility, and thermodynamic stability) performed at Invitae indicates that this missense variant is expected to disrupt FBN3 protein function with a positive predictive value of 80%. In summary, the available evidence is currently insufficient to determine the role of this variant in disease. Therefore, it has been classified as a Variant of Uncertain Significance.